The following is an entry in ClinVar:

NM_001394062.1(MACF1):c.3716G>T (p.Arg1239Leu)

Gene: MACF1 (microtubule actin crosslinking factor 1; plus strand). Cytogenetic location: 1p34.3.
Variant type: single nucleotide variant.
Coding change: c.3716G>T on transcript NM_001394062.1 (MANE Select); coding-DNA position 3716, G replaced by T.
Protein change: p.Arg1239Leu; replaces arginine 1239 with leucine.
Molecular consequence: missense variant.
Genome position (GRCh38, 1-based): chr1:39,317,341, G>T. VCF-style: chr1-39317341-G-T. GRCh37 (hg19) VCF-style: chr1-39783013-G-T.
Other names: c.3731G>T, p.Arg1244Leu (NM_012090.5); short protein forms R1239L, R1244L.
Identifiers: ClinVar variation 2050935 (VCV002050935.29), dbSNP rs138873333, ClinGen allele CA780048.

ClinVar aggregate classification (germline): Benign/Likely benign. Review status: criteria provided, multiple submitters, no conflicts (2 of 4 stars). 3 submissions from 3 submitters: Benign (1); Likely benign (1). 1 of the submissions does not count toward it. Last evaluated 2026-02-01.

Conditions:
MACF1-related disorder. Also called: MACF1-related condition.

Allele frequency attached by ClinVar (database versions not stated): ESP Exome Variant Server 0.00185; 1000 Genomes Project 30x 0.00203; 1000 Genomes Project 0.00220.
gnomAD v4.1: 9,045 of 1,613,788 alleles (0.56%); highest among the groups gnomAD compares: Non-Finnish European, 0.54%; 68 homozygotes.

Submissions (3):

CeGaT Center for Human Genetics Tuebingen
Classification: Likely benign. Last evaluated: 2026-02-01. Review status: criteria provided, single submitter. Criteria: CeGaT Center For Human Genetics Tuebingen Variant Classification Criteria Version 2. Collection method: clinical testing. Allele origin: germline. Affected: yes. Observed: 7 variant alleles.
Comment: MACF1: BP4, BS2

Labcorp Genetics (formerly Invitae), Labcorp
Classification: Benign. Last evaluated: 2025-12-05. Review status: criteria provided, single submitter. Criteria: Invitae Variant Classification Sherloc (09022015). Collection method: clinical testing. Allele origin: germline.

PreventionGenetics, part of Exact Sciences
Classification: Benign for MACF1-related condition. Last evaluated: 2020-03-02. Review status: no assertion criteria provided. Collection method: clinical testing. Allele origin: germline. Not counted in ClinVar's aggregate classification.
Comment: This variant is classified as benign based on ACMG/AMP sequence variant interpretation guidelines (Richards et al. 2015 PMID: 25741868, with internal and published modifications).